The following is an entry in ClinVar:

ClinVar aggregate classification (germline): Pathogenic (1 of 4 stars; one submission).

Conditions:
Goldmann-Favre syndrome. Identifiers: Orphanet 53540, MedGen C0339541, MONDO:0100289.

Submission:

Lab De Baere, Eye and Developmental Genetics Lab, Ghent University
Classification: Pathogenic for Goldmann-Favre syndrome. Last evaluated: 2024-10-01. Review status: criteria provided, single submitter. Criteria: ACMG Guidelines, 2015. Collection method: research. Allele origin: inherited. Affected: yes. Observed: 1 variant allele.
Comment: ACMG/AMP guidelines: PM2, PP4_PP, PVS1, PP1, PM3_PP

NM_014249.4(NR2E3):c.146dup (p.Cys50fs)

Gene: NR2E3 (nuclear receptor subfamily 2 group E member 3; plus strand). Cytogenetic location: 15q23.
Variant type: Duplication.
Coding change: c.146dup on transcript NM_014249.4 (MANE Select); coding-DNA position 146, one base duplicated (T; older notation c.146dupT).
Protein change: p.Cys50fs; shifts the reading frame from cysteine 50.
Molecular consequence: frameshift variant.
Genome position (GRCh38, 1-based): chr15:71,811,510, T duplicated. VCF-style (leftmost placement, unchanged base first): chr15-71811509-G-GT. GRCh37 (hg19) VCF-style: chr15-72103849-G-GT.
Other names: c.146dup, p.Cys50fs (NM_016346.4); short protein forms C50fs.
Identifiers: ClinVar variation 3544433 (VCV003544433.1).